The following is an entry in ClinVar:

ClinVar aggregate classification (germline): Uncertain significance (1 of 4 stars; one submission).

Conditions:
Early Myoclonic Encephalopathy. Identifiers: MedGen C0270855.

Submission:

Labcorp Genetics (formerly Invitae), Labcorp
Classification: Uncertain significance for Early Myoclonic Encephalopathy. Last evaluated: 2023-11-02. Review status: criteria provided, single submitter. Criteria: Invitae Variant Classification Sherloc (09022015). Collection method: clinical testing. Allele origin: germline.
Comment: This sequence change replaces serine, which is neutral and polar, with threonine, which is neutral and polar, at codon 1973 of the JMJD1C protein (p.Ser1973Thr). This variant is not present in population databases (gnomAD no frequency). This variant has not been reported in the literature in individuals affected with JMJD1C-related conditions. ClinVar contains an entry for this variant (Variation ID: 1424604). Advanced modeling of protein sequence and biophysical properties (such as structural, functional, and spatial information, amino acid conservation, physicochemical variation, residue mobility, and thermodynamic stability) performed at Invitae indicates that this missense variant is not expected to disrupt JMJD1C protein function with a negative predictive value of 80%. In summary, the available evidence is currently insufficient to determine the role of this variant in disease. Therefore, it has been classified as a Variant of Uncertain Significance.

NM_032776.3(JMJD1C):c.5917T>A (p.Ser1973Thr)

Gene: JMJD1C (jumonji domain containing 1C; minus strand). Cytogenetic location: 10q21.3.
Variant type: single nucleotide variant.
Coding change: c.5917T>A on transcript NM_032776.3 (MANE Select); coding-DNA position 5917, T replaced by A.
Protein change: p.Ser1973Thr; replaces serine 1973 with threonine.
Molecular consequence: missense variant. On other transcripts: non-coding transcript variant (1).
Genome position (GRCh38, 1-based): chr10:63,193,097, A>T on the plus strand (T>A on the coding strand, the complement: JMJD1C is on the minus strand). VCF-style: chr10-63193097-A-T. GRCh37 (hg19) VCF-style: chr10-64952857-A-T.
Other names: c.5371T>A, p.Ser1791Thr (NM_001282948.2, NM_001318154.2); c.5053T>A, p.Ser1685Thr (NM_001318153.2); c.5803T>A, p.Ser1935Thr (NM_001322252.2); c.5260T>A, p.Ser1754Thr (NM_001322254.2, NM_001322258.2); short protein forms S1685T, S1754T, S1935T, S1973T, S1791T.
Identifiers: ClinVar variation 1424604 (VCV001424604.6), dbSNP rs2133007696, ClinGen allele CA377026630.